The following is an entry in ClinVar:

ClinVar aggregate classification (germline): Likely benign. Review status: criteria provided, multiple submitters, no conflicts (2 of 4 stars). 2 submissions from 2 submitters: Likely benign (2). Last evaluated 2024-11-05.

Conditions:
Multiple endocrine neoplasia, type 1 (MEN1). Also called: MEA I; Endocrine adenomatosis multiple; MEN 1; MEN I; WERMER SYNDROME. Identifiers: Orphanet 652, MedGen C0025267, MeSH D018761, MONDO:0007540, OMIM 131100.

Allele frequency attached by ClinVar (database versions not stated): gnomAD exomes below 0.00001; ExAC 0.00001; gnomAD 0.00001; TOPMed 0.00001.

Submissions (2):

Myriad Genetics, Inc.
Classification: Likely benign for Multiple endocrine neoplasia, type 1. Last evaluated: 2024-11-05. Review status: criteria provided, single submitter. Criteria: Myriad Autosomal Dominant, Autosomal Recessive and X-Linked Classification Criteria (2023). Collection method: clinical testing. Allele origin: unknown.
Comment: This variant is considered likely benign. This variant is intronic and is not expected to impact mRNA splicing.

Labcorp Genetics (formerly Invitae), Labcorp
Classification: Likely benign for Multiple endocrine neoplasia, type 1. Last evaluated: 2024-10-19. Review status: criteria provided, single submitter. Criteria: Invitae Variant Classification Sherloc (09022015). Collection method: clinical testing. Allele origin: germline.

NM_001370259.2(MEN1):c.1186-17C>T

Gene: MEN1 (menin 1; minus strand). Cytogenetic location: 11q13.1.
Variant type: single nucleotide variant.
Coding change: c.1186-17C>T on transcript NM_001370259.2 (MANE Select); 17 bases into the intron before coding-DNA position 1186, C replaced by T.
Molecular consequence: intron variant.
Genome position (GRCh38, 1-based): chr11:64,805,215, G>A on the plus strand (C>T on the coding strand, the complement: MEN1 is on the minus strand). VCF-style: chr11-64805215-G-A. GRCh37 (hg19) VCF-style: chr11-64572687-G-A.
Other names: c.1201-17C>T (NM_130804.3, NM_130803.3, NM_000244.4 and 3 more transcripts); c.1186-17C>T (NM_130799.3, NM_001370260.2, NM_001370261.2); c.1312-17C>T (NM_001370251.2); c.1081-17C>T (NM_001370263.2, NM_001370262.2).
Identifiers: ClinVar variation 1632259 (VCV001632259.9), dbSNP rs773542607, ClinGen allele CA060206.
Genomic context (GRCh38, chr11:64,805,215, plus strand): 5'-AAGCACTCAGGGTCCTGGAGGGCGGAACCTTGGCTCTGGGTGCCCTGGACGAGGGGGAAG[G>A]GAGGGCACAGATCAGTCTCTTACTCACCCCTTAGCAGAGGGCACAGGCCAGGCCCCCCAC-3'